The following is an entry in ClinVar:

NM_015512.5(DNAH1):c.9330G>A (p.Glu3110=)

Gene: DNAH1 (dynein axonemal heavy chain 1; plus strand). Cytogenetic location: 3p21.1.
Variant type: single nucleotide variant.
Coding change: c.9330G>A on transcript NM_015512.5 (MANE Select); coding-DNA position 9330, G replaced by A.
Protein change: p.Glu3110=; no amino-acid change (glutamic acid 3110 retained).
Molecular consequence: synonymous variant.
Genome position (GRCh38, 1-based): chr3:52,388,576, G>A. VCF-style: chr3-52388576-G-A. GRCh37 (hg19) VCF-style: chr3-52422592-G-A.
Identifiers: ClinVar variation 752594 (VCV000752594.8), dbSNP rs762482660, ClinGen allele CA2435449.

ClinVar aggregate classification (germline): Likely benign. Review status: criteria provided, multiple submitters, no conflicts (2 of 4 stars). 2 submissions from 2 submitters: Likely benign (2). Last evaluated 2026-06-24.

Conditions:
Spermatogenic failure 18. Identifiers: MedGen C4539783, MONDO:0054615, OMIM 617576.
Ciliary dyskinesia, primary, 37 (CILD37). Also called: CILIARY DYSKINESIA, PRIMARY, 37, WITH OR WITHOUT SITUS INVERSUS. Identifiers: MedGen C4539798, MONDO:0033204, OMIM 617577.
DNAH1-related disorder. Also called: DNAH1-related condition.

Allele frequency attached by ClinVar (database versions not stated): ExAC 0.00002; gnomAD 0.00002 and 0.00003; gnomAD exomes 0.00003 and 0.00006; TOPMed 0.00005.
gnomAD v4.1: 25 of 1,612,444 alleles (0.0016%); highest among the groups gnomAD compares: Admixed American, 0.035%; no homozygotes.

Submissions (2):

PreventionGenetics, part of Exact Sciences
Classification: Likely benign for DNAH1-related condition. Last evaluated: 2026-06-24. Review status: criteria provided, single submitter. Criteria: ACMG Guidelines, 2015. Collection method: clinical testing. Allele origin: germline.
Comment: This variant is classified as likely benign based on ACMG/AMP sequence variant interpretation guidelines (Richards et al. 2015 PMID: 25741868, with internal and published modifications).

Labcorp Genetics (formerly Invitae), Labcorp
Classification: Likely benign for Ciliary dyskinesia, primary, 37; Spermatogenic failure 18. Last evaluated: 2025-10-23. Review status: criteria provided, single submitter. Criteria: Invitae Variant Classification Sherloc (09022015). Collection method: clinical testing. Allele origin: germline.